The following is an entry in ClinVar:

NC_000019.10:g.1201917C>T

Gene: STK11 (serine/threonine kinase 11; plus strand). Cytogenetic location: 19p13.3.
Variant type: single nucleotide variant.
Genome position: GRCh38 VCF-style: chr19-1201917-C-T. GRCh37 (hg19) VCF-style: chr19-1201916-C-T.
Identifiers: ClinVar variation 4822177 (VCV004822177.4).

ClinVar aggregate classification (germline): Likely benign (1 of 4 stars; one submission).

Submission:

CeGaT Center for Human Genetics Tuebingen
Classification: Likely benign. Last evaluated: 2026-02-01. Review status: criteria provided, single submitter. Criteria: CeGaT Center For Human Genetics Tuebingen Variant Classification Criteria Version 2. Collection method: clinical testing. Allele origin: germline. Affected: yes. Observed: 1 variant allele.
Comment: STK11: BS1